The following is an entry in ClinVar:

ClinVar aggregate classification (germline): Likely benign (1 of 4 stars; one submission).

Allele frequency attached by ClinVar (database versions not stated): gnomAD 0.00005; TOPMed 0.00006; ExAC 0.00012; 1000 Genomes Project 30x 0.00031; 1000 Genomes Project 0.00040.
gnomAD v4.1: 90 of 1,613,744 alleles (0.0056%); highest among the groups gnomAD compares: East Asian, 0.085%; 1 homozygote.

Submission:

CeGaT Center for Human Genetics Tuebingen
Classification: Likely benign. Last evaluated: 2022-08-01. Review status: criteria provided, single submitter. Criteria: CeGaT Center For Human Genetics Tuebingen Variant Classification Criteria Version 2. Collection method: clinical testing. Allele origin: germline. Affected: yes. Observed: 1 variant allele.
Comment: MDM4: PP2, BP4, BS2

NM_002393.5(MDM4):c.95C>T (p.Pro32Leu)

Gene: MDM4 (MDM4 regulator of p53; plus strand). Cytogenetic location: 1q32.1.
Variant type: single nucleotide variant.
Coding change: c.95C>T on transcript NM_002393.5 (MANE Select); coding-DNA position 95, C replaced by T.
Protein change: p.Pro32Leu; replaces proline 32 with leucine.
Molecular consequence: missense variant. On other transcripts: intron variant (2).
Genome position (GRCh38, 1-based): chr1:204,526,376, C>T. VCF-style: chr1-204526376-C-T. GRCh37 (hg19) VCF-style: chr1-204495504-C-T.
Other names: c.95C>T, p.Pro32Leu (NM_001204171.2, NM_001278516.2, NM_001278518.2 and 1 more transcripts); c.78+780C>T (NM_001278517.2, NM_001204172.2); short protein forms P32L.
Identifiers: ClinVar variation 2639831 (VCV002639831.24), dbSNP rs181171068, ClinGen allele CA1348493.